The following is an entry in ClinVar:

NM_000217.3(KCNA1):c.730C>T (p.Pro244Ser)

Gene: KCNA1 (potassium voltage-gated channel subfamily A member 1; plus strand). Cytogenetic location: 12p13.32.
Variant type: single nucleotide variant.
Coding change: c.730C>T on transcript NM_000217.3 (MANE Select); coding-DNA position 730, C replaced by T.
Protein change: p.Pro244Ser; replaces proline 244 with serine.
Molecular consequence: missense variant.
Genome position (GRCh38, 1-based): chr12:4,912,108, C>T. VCF-style: chr12-4912108-C-T. GRCh37 (hg19) VCF-style: chr12-5021274-C-T.
Other names: short protein forms P244S.
Identifiers: ClinVar variation 3378412 (VCV003378412.2).

ClinVar aggregate classification (germline): Likely pathogenic (1 of 4 stars; one submission).

Conditions:
Episodic ataxia type 1 (EA1). Also called: MYOKYMIA WITH PERIODIC ATAXIA; PAROXYSMAL ATAXIA WITH NEUROMYOTONIA, HEREDITARY; ATAXIA, EPISODIC, WITH MYOKYMIA; Episodic ataxia/myokymia syndrome. Identifiers: Orphanet 37612, Orphanet 972, MedGen C1719788, MONDO:0008047, OMIM 160120.

Submission:

Molecular Genetics Laboratory, Motol Hospital
Classification: Likely pathogenic for Episodic ataxia type 1. Last evaluated: 2024-11-20. Review status: criteria provided, single submitter. Criteria: ACMG Guidelines, 2015. Collection method: clinical testing. Allele origin: unknown. Affected: yes. Observed: 1 variant allele.
Comment: The reported variant is located in a mutation hotspot in the exon 2 of the KCNA1 gene (PM1). Different amino acid change is a well-known pathogenic variant: c.731C>A, p.(Pro244His) (PM5). The missense variants affecting the KCNA1 gene are well documented as a molecular cause of episodic ataxia/myokymia syndrome (OMIM:160120) (PMID:11773313;32316562;17136396;32331416). To conclude, the variant is classified as likely pathogenic (ACMG PM1, PP2, PM2, PM5, PP3).

Literature cited by the submitters: PubMed 11773313; PubMed 32316562; PubMed 17136396; PubMed 32331416.